The following is an entry in ClinVar:

ClinVar aggregate classification (germline): Uncertain significance. Review status: criteria provided, multiple submitters, no conflicts (2 of 4 stars). 2 submissions from 2 submitters: Uncertain significance (2). Last evaluated 2025-10-08.

Conditions:
Inborn genetic diseases. Identifiers: MedGen C0950123, MeSH D030342.
Adams-Oliver syndrome 4 (AOS4). Identifiers: Orphanet 974, MedGen C3809092, MONDO:0014124, OMIM 615297.

Allele frequency attached by ClinVar (database versions not stated): gnomAD exomes below 0.00001 and 0.00001; gnomAD 0.00001; TOPMed 0.00002.
gnomAD v4.1: 11 of 1,544,436 alleles (0.00071%); highest among the groups gnomAD compares: Non-Finnish European, 0.00098%; no homozygotes.

Submissions (2):

Labcorp Genetics (formerly Invitae), Labcorp
Classification: Uncertain significance for Adams-Oliver syndrome 4. Last evaluated: 2025-10-08. Review status: criteria provided, single submitter. Criteria: Invitae Variant Classification Sherloc (09022015). Collection method: clinical testing. Allele origin: germline.
Comment: This sequence change replaces valine, which is neutral and non-polar, with phenylalanine, which is neutral and non-polar, at codon 244 of the EOGT protein (p.Val244Phe). This variant is present in population databases (no rsID available, gnomAD 0.002%). This variant has not been reported in the literature in individuals affected with EOGT-related conditions. ClinVar contains an entry for this variant (Variation ID: 1420213). An algorithm developed to predict the effect of missense changes on protein structure and function (PolyPhen-2) suggests that this variant is likely to be disruptive. In summary, the available evidence is currently insufficient to determine the role of this variant in disease. Therefore, it has been classified as a Variant of Uncertain Significance.

Ambry Genetics
Classification: Uncertain significance for Inborn genetic diseases. Last evaluated: 2024-08-11. Review status: criteria provided, single submitter. Criteria: Ambry Variant Classification Scheme 2023. Collection method: clinical testing. Allele origin: germline.

NM_001278689.2(EOGT):c.730G>T (p.Val244Phe)

Gene: EOGT (EGF domain specific O-linked N-acetylglucosamine transferase; minus strand). Cytogenetic location: 3p14.1.
Variant type: single nucleotide variant.
Coding change: c.730G>T on transcript NM_001278689.2 (MANE Select); coding-DNA position 730, G replaced by T.
Protein change: p.Val244Phe; replaces valine 244 with phenylalanine.
Molecular consequence: missense variant.
Genome position (GRCh38, 1-based): chr3:68,998,112, C>A on the plus strand (G>T on the coding strand, the complement: EOGT is on the minus strand). VCF-style: chr3-68998112-C-A. GRCh37 (hg19) VCF-style: chr3-69047263-C-A.
Other names: c.730G>T, p.Val244Phe (NM_173654.3); c.730G>T (NM_173654.1); short protein forms V244F.
Identifiers: ClinVar variation 1420213 (VCV001420213.7), dbSNP rs1386656563, ClinGen allele CA353466993.